The following is an entry in ClinVar:

ClinVar aggregate classification (germline): Pathogenic/Likely pathogenic. Review status: criteria provided, multiple submitters, no conflicts (2 of 4 stars). 6 submissions from 6 submitters: Pathogenic (2); Likely pathogenic (3). 1 of the submissions does not count toward it. Last evaluated 2024-03-02.

Conditions:
Autosomal recessive primary microcephaly. Identifiers: Orphanet 2512, MedGen C3711387, MONDO:0016660.
Microcephaly 1, primary, autosomal recessive (MCPH1). Also called: PREMATURE CHROMOSOME CONDENSATION SYNDROME; PCC SYNDROME; PREMATURE CHROMOSOME CONDENSATION WITH MICROCEPHALY AND MENTAL RETARDATION. Identifiers: Orphanet 2512, MedGen C1855081, MONDO:0009617, OMIM 251200.

Allele frequency attached by ClinVar (database versions not stated): gnomAD exomes 0.00003; gnomAD 0.00004 and 0.00005; ExAC 0.00005; TOPMed 0.00006.

Submissions (6):

Fulgent Genetics
Classification: Likely pathogenic for Microcephaly 1, primary, autosomal recessive. Last evaluated: 2024-03-02. Review status: criteria provided, single submitter. Criteria: ACMG Guidelines, 2015. Collection method: clinical testing. Allele origin: germline.

GeneDx
Classification: Likely pathogenic. Last evaluated: 2024-02-02. Review status: criteria provided, single submitter. Criteria: GeneDx Variant Classification Process June 2021. Collection method: clinical testing. Allele origin: germline. Affected: yes.
Comment: Identified in trans with a second MCPH1 variant in an individual with developmental delay, intellectual disability, epilepsy, severe visual impairment, microcephaly and abnormal brain MRI. This individual also had a balanced reciprocal translocation (PMID: 33094427); Nonsense variant predicted to result in protein truncation or nonsense mediated decay in a gene for which loss of function is a known mechanism of disease; Not observed at significant frequency in large population cohorts (gnomAD); This variant is associated with the following publications: (PMID: 33094427)

Women's Health and Genetics/Laboratory Corporation of America, LabCorp
Classification: Pathogenic for Autosomal recessive primary microcephaly. Last evaluated: 2023-12-14. Review status: criteria provided, single submitter. Criteria: LabCorp Variant Classification Summary - May 2015. Collection method: clinical testing. Allele origin: germline.
Comment: Variant summary: MCPH1 c.1869_1870delAT (p.Cys624X) results in a premature termination codon, predicted to cause a truncation of the encoded protein or absence of the protein due to nonsense mediated decay, which are commonly known mechanisms for disease. The variant allele was found at a frequency of 3.2e-05 in 249512 control chromosomes (gnomAD). The available data on variant occurrences in the general population are insufficient to allow any conclusion about variant significance. c.1869_1870delAT has been reported in the literature in at least one individual affected with neurological abnomalities and microcephaly (e.g., Cheng_2021). To our knowledge, no experimental evidence demonstrating an impact on protein function has been reported. The following publication was ascertained in the context of this evaluation (PMID: 33094427). One submitter has reported clinical-significance assessments for this variant to ClinVar after 2014 and has classified the variant as likely pathogenic. Based on the evidence outlined above, the variant was classified as pathogenic.

Genetic Services Laboratory, University of Chicago
Classification: Pathogenic for Microcephaly 1, primary, autosomal recessive. Last evaluated: 2013-04-08. Review status: criteria provided, single submitter. Criteria: ACMG Guidelines, 2007. Collection method: clinical testing. Allele origin: germline. Inheritance: Autosomal recessive inheritance. Affected: yes.

Juno Genomics, Hangzhou Juno Genomics, Inc
Classification: Likely pathogenic for Microcephaly 1, primary, autosomal recessive. Review status: criteria provided, single submitter. Criteria: ACMG Guidelines, 2015. Collection method: clinical testing. Allele origin: germline.
Comment: Null variant in a gene where loss of function (LOF) is a known mechanism of disease.;Absent from controls (or at extremely low frequency if recessive) in Genome Aggregation Database.

Biochemical Molecular Genetic Laboratory, King Abdulaziz Medical City
Classification: Likely pathogenic for Microcephaly 1, primary, autosomal recessive. Last evaluated: 2020-09-10. Review status: no assertion criteria provided. Collection method: clinical testing. Allele origin: germline. Affected: yes. Not counted in ClinVar's aggregate classification.

Literature cited by the submitters: PubMed 33094427 (cited by Women's Health and Genetics/Laboratory Corporation of America, LabCorp).

NM_024596.5(MCPH1):c.1869_1870del (p.Ser623_Cys624insTer)

Gene: MCPH1 (microcephalin 1; plus strand). Cytogenetic location: 8p23.1.
Variant type: Deletion.
Coding change: c.1869_1870del on transcript NM_024596.5 (MANE Select); coding-DNA positions 1869 to 1870, 2 bases deleted (AT; older notation c.1869_1870delAT).
Protein change: p.Ser623_Cys624insTer.
Molecular consequence: frameshift variant.
Genome position (GRCh38, 1-based): chr8:6,455,186-6,455,187, AT deleted. VCF-style (leftmost placement, unchanged base first): chr8-6455185-CAT-C. GRCh37 (hg19) VCF-style: chr8-6312706-CAT-C.
Other names: c.1869_1870delAT (NM_024596.5); c.1869_1870del, p.Ser623_Cys624insTer (NM_001322042.2, NM_001363979.1, NM_001363980.2).
Identifiers: ClinVar variation 158830 (VCV000158830.12), dbSNP rs587783735, ClinGen allele CA271690.